The following is an entry in ClinVar:

ClinVar aggregate classification (germline): Uncertain significance (1 of 4 stars; one submission).

Conditions:
Inborn genetic diseases. Identifiers: MedGen C0950123, MeSH D030342.

Submission:

Ambry Genetics
Classification: Uncertain significance for Inborn genetic diseases. Last evaluated: 2025-05-03. Review status: criteria provided, single submitter. Criteria: Ambry Variant Classification Scheme 2023. Collection method: clinical testing. Allele origin: germline.
Comment: The p.D576E variant (also known as c.1728T>G), located in coding exon 17 of the ANKRD26 gene, results from a T to G substitution at nucleotide position 1728. The aspartic acid at codon 576 is replaced by glutamic acid, an amino acid with highly similar properties. This amino acid position is conserved. In addition, this alteration is predicted to be tolerated by in silico analysis. Based on the available evidence, the clinical significance of this variant remains unclear.

NM_014915.3(ANKRD26):c.1728T>G (p.Asp576Glu)

Gene: ANKRD26 (ankyrin repeat domain containing 26; minus strand). Cytogenetic location: 10p12.1.
Variant type: single nucleotide variant.
Coding change: c.1728T>G on transcript NM_014915.3 (MANE Select); coding-DNA position 1728, T replaced by G.
Protein change: p.Asp576Glu; replaces aspartic acid 576 with glutamic acid.
Molecular consequence: missense variant.
Genome position (GRCh38, 1-based): chr10:27,048,887, A>C on the plus strand (T>G on the coding strand, the complement: ANKRD26 is on the minus strand). VCF-style: chr10-27048887-A-C. GRCh37 (hg19) VCF-style: chr10-27337816-A-C.
Other names: c.1728T>G, p.Asp576Glu (NM_001256053.2); short protein forms D576E.
Identifiers: ClinVar variation 3914173 (VCV003914173.1).
Genomic context (GRCh38, chr10:27,048,887, plus strand): 5'-GGGAAATTGCTGATGATCAGTTTCTCCACTCTTTCTTTTTTGAATTAATCCATCATCATC[A>C]TCATCATCTTCAGCATCATCAGTAGCACCATCATGTATGTTTGCTGATACTTCCATTTCA-3'
Protein context (NP_055730.2, residues 566-586): DGATDDAEDD[Asp576Glu]DDDGLIQKRK